The following is an entry in ClinVar:

ClinVar aggregate classification (germline): Uncertain significance (1 of 4 stars; one submission).

Conditions:
Dihydropteridine reductase deficiency (HPABH4C). Also called: DHPR DEFICIENCY; BH4-Deficient Hyperphenylalaninemia C; Hyperphenylalaninemia due to dihydropteridine reductase deficiency; Hyperphenylalaninemia, BH-4-deficient, C; Phenylketonuria type 2; HYPERPHENYLALANINEMIA, TETRAHYDROBIOPTERIN-DEFICIENT, DUE TO DHPR DEFICIENCY. Identifiers: Orphanet 226, Orphanet 238583, MedGen C0268465, MONDO:0009862, OMIM 261630.

Allele frequency attached by ClinVar (database versions not stated): TOPMed 0.00002; gnomAD exomes 0.00003; gnomAD 0.00001.

Submission:

Labcorp Genetics (formerly Invitae), Labcorp
Classification: Uncertain significance for Dihydropteridine reductase deficiency. Last evaluated: 2021-09-16. Review status: criteria provided, single submitter. Criteria: Invitae Variant Classification Sherloc (09022015). Collection method: clinical testing. Allele origin: germline.
Comment: This sequence change replaces serine with glycine at codon 51 of the QDPR protein (p.Ser51Gly). The serine residue is moderately conserved and there is a small physicochemical difference between serine and glycine. This variant is not present in population databases (ExAC no frequency). This variant has not been reported in the literature in individuals affected with QDPR-related conditions. Algorithms developed to predict the effect of missense changes on protein structure and function (SIFT, PolyPhen-2, Align-GVGD) all suggest that this variant is likely to be tolerated. In summary, the available evidence is currently insufficient to determine the role of this variant in disease. Therefore, it has been classified as a Variant of Uncertain Significance.

NM_000320.3(QDPR):c.151A>G (p.Ser51Gly)

Gene: QDPR (quinoid dihydropteridine reductase; minus strand). Cytogenetic location: 4p15.32.
Variant type: single nucleotide variant.
Coding change: c.151A>G on transcript NM_000320.3 (MANE Select); coding-DNA position 151, A replaced by G.
Protein change: p.Ser51Gly; replaces serine 51 with glycine.
Molecular consequence: missense variant. On other transcripts: non-coding transcript variant (1), intron variant (1).
Genome position (GRCh38, 1-based): chr4:17,509,318, T>C on the plus strand (A>G on the coding strand, the complement: QDPR is on the minus strand). VCF-style: chr4-17509318-T-C. GRCh37 (hg19) VCF-style: chr4-17510941-T-C.
Other names: c.105+2632A>G (NM_001306140.2); short protein forms S51G.
Identifiers: ClinVar variation 1348751 (VCV001348751.3), dbSNP rs1353342221, ClinGen allele CA356453234.
Genomic context (GRCh38, chr4:17,509,318, plus strand): 5'-TTTTTGAAACTACCTGGTCAGCCTGCTCAGTGAACGAGTCTGTCATTTTAACAATGATGC[T>C]AGCGCTGGCCTCTTCATTCTCCACCACATCAACGCTGGCAACCCACTGGAAGGAGAAAAC-3'
Protein context (NP_000311.2, residues 41-61): DVVENEEASA[Ser51Gly]IIVKMTDSFT